The following is an entry in ClinVar:

NM_001174147.2(LMX1B):c.949C>T (p.Gln317Ter)

Gene: LMX1B (LIM homeobox transcription factor 1 beta; plus strand). Cytogenetic location: 9q33.3.
Variant type: single nucleotide variant.
Coding change: c.949C>T on transcript NM_001174147.2 (MANE Select); coding-DNA position 949, C replaced by T.
Protein change: p.Gln317Ter; replaces glutamine 317 with a stop codon.
Molecular consequence: nonsense.
Genome position (GRCh38, 1-based): chr9:126,695,901, C>T. VCF-style: chr9-126695901-C-T. GRCh37 (hg19) VCF-style: chr9-129458180-C-T.
Other names: c.982C>T, p.Gln328Ter (NM_001174146.2); c.949C>T, p.Gln317Ter (NM_002316.4); short protein forms Q317*, Q328*.
Identifiers: ClinVar variation 1806136 (VCV001806136.1), dbSNP rs2490694993, ClinGen allele CA374915012.
Genomic context (GRCh38, chr9:126,695,901, plus strand): 5'-GTCCTGTCCAGCCGCATGGAGGGCATGATGGCTTCCTACACGCCGCTGGCCCCACCACAG[C>T]AGCAGATCGTGGCCATGGAACAGAGCCCCTACGGCAGCAGCGACCCCTTCCAGCAGGGCC-3'

ClinVar aggregate classification (germline): Pathogenic (1 of 4 stars; one submission).

Conditions:
Nail-patella syndrome (NPS). Also called: FONG DISEASE; ONYCHOOSTEODYSPLASIA; TURNER-KIESER SYNDROME. Identifiers: Orphanet 2614, MedGen C0027341, MONDO:0008061, OMIM 161200.

Submission:

Victorian Clinical Genetics Services, Murdoch Childrens Research Institute
Classification: Pathogenic for Nail-patella syndrome. Last evaluated: 2020-10-19. Review status: criteria provided, single submitter. Criteria: ACMG Guidelines, 2015. Collection method: clinical testing. Allele origin: germline. Inheritance: Autosomal dominant inheritance.
Comment: A heterozygous nonsense variant was identified, NM_002316.3(LMX1B):c.949C>T in exon 7 of 8 of the LMX1B gene. This nonsense variant is predicted to create a change of glutamine to a stop at amino acid position 317 of the protein, NP_002307.2(LMX1B):p.(Gln317*), resulting in the loss of normal protein function through nonsense-mediated decay (NMD). The variant is not present in the gnomAD population database. The variant has not been previously reported in clinical cases. Other variants predicted to cause NMD have been reported as pathogenic in individuals Nail-patella syndrome (MIM#161200), AD. Based on information available at the time of curation, this variant has been classified as PATHOGENIC. Legend: (P) - Pathogenic, (N) - Neutral, (B) - Benign